The following is an entry in ClinVar:

NM_007294.4(BRCA1):c.5278-14C>G

Gene: BRCA1 (BRCA1 DNA repair associated; minus strand). Cytogenetic location: 17q21.31.
Variant type: single nucleotide variant.
Coding change: c.5278-14C>G on transcript NM_007294.4 (MANE Select); 14 bases into the intron before coding-DNA position 5278, C replaced by G.
Molecular consequence: intron variant.
Genome position (GRCh38, 1-based): chr17:43,051,131, G>C on the plus strand (C>G on the coding strand, the complement: BRCA1 is on the minus strand). VCF-style: chr17-43051131-G-C. GRCh37 (hg19) VCF-style: chr17-41203148-G-C.
Other names: p.?; IVS20-14C>G; c.1705-14C>G (NM_001408500.1, NM_001408497.1, NM_001408496.1 and 3 more transcripts); c.5014-14C>G (NM_001407921.1, NM_001407926.1, NM_001407924.1 and 4 more transcripts); c.1825-14C>G (NM_001408466.1, NM_001408460.1, NM_001408465.1 and 7 more transcripts); c.1828-14C>G (NM_001408452.1, NM_001408457.1, NM_001408454.1 and 3 more transcripts); c.5131-14C>G (NM_001407850.1, NM_001407844.1, NM_001407851.1 and 12 more transcripts); c.5134-14C>G (NM_001407752.1, NM_001407944.1, NM_001407734.1 and 21 more transcripts); and 76 more.
Identifiers: ClinVar variation 91645 (VCV000091645.38), dbSNP rs80358105, ClinGen allele CA003431.

ClinVar aggregate classification (germline): Benign. Review status: reviewed by expert panel (3 of 4 stars). 18 submissions from 18 submitters: Benign (1). 17 of the submissions do not count toward it. Last evaluated 2019-06-18.

Conditions:
Hereditary cancer-predisposing syndrome. Also called: Hereditary Cancer Syndrome; Hereditary neoplastic syndrome; Neoplastic Syndromes, Hereditary; Tumor predisposition. Identifiers: Orphanet 140162, MedGen C0027672, MeSH D009386, MONDO:0015356.
Malignant tumor of breast. Also called: Cancer breast; Malignant breast neoplasm. Identifiers: MedGen C0006142, MONDO:0007254. Disease mechanism: loss of function.
Familial cancer of breast. Also called: hereditary breast carcinoma; BREAST CANCER, FAMILIAL; Hereditary breast cancer. Identifiers: Orphanet 227535, MedGen C0346153, MONDO:0016419, OMIM 114480. Disease mechanism: loss of function.
Hereditary breast ovarian cancer syndrome. Also called: BRCA1- and BRCA2-Associated Hereditary Breast and Ovarian Cancer; Hereditary breast and ovarian cancer syndrome; Hereditary breast and ovarian cancer syndrome (HBOC); Breast and ovarian cancer; Hereditary breast and/or ovarian cancer syndrome; Hereditary breast and ovarian cancer. Identifiers: Orphanet 145, MedGen C0677776, MeSH D061325, MONDO:0003582. Disease mechanism: loss of function.
Breast-ovarian cancer, familial, susceptibility to, 1 (BROVCA1). Also called: BRCA1 Hereditary Breast and Ovarian Cancer; OVARIAN CANCER, SUSCEPTIBILITY TO. Identifiers: Orphanet 145, MedGen C2676676, MONDO:0011450, OMIM 604370. Disease mechanism: loss of function.

Allele frequency attached by ClinVar (database versions not stated): gnomAD exomes 0.00007 and 0.00003; ESP Exome Variant Server 0.00023; ExAC 0.00003; gnomAD 0.00006 and 0.00007; TOPMed 0.00009.
gnomAD v4.1: 119 of 1,611,186 alleles (0.0074%); highest among the groups gnomAD compares: Non-Finnish European, 0.0094%; no homozygotes.

Submissions 1 to 16 of 19:

Evidence-based Network for the Interpretation of Germline Mutant Alleles (ENIGMA)
Classification: Benign for Breast-ovarian cancer, familial, susceptibility to, 1. Last evaluated: 2019-06-18. Review status: reviewed by expert panel. Criteria: ENIGMA BRCA1/2 Classification Criteria (2017-06-29). Collection method: curation. Allele origin: germline.
Comment: IARC class based on posterior probability from multifactorial likelihood analysis, thresholds for class as per Plon et al. 2008 (PMID: 18951446). Class 1 based on posterior probability = 7.93E-10

Labcorp Genetics (formerly Invitae), Labcorp
Classification: Benign for Hereditary breast ovarian cancer syndrome. Last evaluated: 2026-02-03. Review status: criteria provided, single submitter. Criteria: Invitae Variant Classification Sherloc (09022015). Collection method: clinical testing. Allele origin: germline. Not counted in ClinVar's aggregate classification.

Mayo Clinic Laboratories, Mayo Clinic
Classification: Benign. Last evaluated: 2025-08-05. Review status: criteria provided, single submitter. Criteria: ACMG Guidelines, 2015. Collection method: clinical testing. Allele origin: germline. Observed: 1 variant allele. Not counted in ClinVar's aggregate classification.
Comment: BS1_supporting, BP4, BP5_very_strong

Center for Genomic Medicine, Rigshospitalet, Copenhagen University Hospital
Classification: Benign. Last evaluated: 2025-03-04. Review status: criteria provided, single submitter. Criteria: ACMG Guidelines, 2015. Collection method: clinical testing. Allele origin: germline. Not counted in ClinVar's aggregate classification.

Women's Health and Genetics/Laboratory Corporation of America, LabCorp
Classification: Benign. Last evaluated: 2022-01-14. Review status: criteria provided, single submitter. Criteria: LabCorp Variant Classification Summary - May 2015. Collection method: clinical testing. Allele origin: germline. Not counted in ClinVar's aggregate classification.
Comment: Variant summary: BRCA1 c.5278-14C>G alters a non-conserved nucleotide located close to a canonical splice site and therefore could affect mRNA splicing, leading to a significantly altered protein sequence. 4/4 computational tools predict no significant impact on normal splicing. These predictions have been confirmed by functional studies demonstrating the variant has no splicing effect (Spearman_2008, Whiley_2011, Wappenschmidt_2012, Steffensen_2014). The variant allele was found at a frequency of 3.2e-05 in 250986 control chromosomes (gnomAD). The available data on variant occurrences in the general population are insufficient to allow any conclusion about variant significance. c.5278-14C>G has been reported in the literature in individuals affected with cancer including breast cancer and pancreatic cancer (van der Hout_2006, Spearman_2008, Axilbund_2009, Lu_2012). These reports do not provide unequivocal conclusions about association of the variant with Hereditary Breast and Ovarian Cancer. Co-occurrences with pathogenic variants have been reported (BRCA2 c.5722_5723delCT, p.Leu1908ArgfsX2 [BIC]; BRCA2 unspecified [van der Hout_2006]), providing supporting evidence for a benign role. Experimental evidence evaluating an impact on protein function through utilization of a cell-survival assay in a population of edited haploid HAP1 cells as a measure of functional HDR pathway, reported the variant to be functional (Findlay_2018). Six ClinVar submitters including an expert panel (ENIGMA) (evaluation after 2014) cite the variant as benign/likely benign. Based on the evidence outlined above, the variant was classified as benign.

Baylor Genetics
Classification: Benign for Familial cancer of breast. Last evaluated: 2017-02-23. Review status: criteria provided, single submitter. Criteria: ACMG Guidelines, 2015. Collection method: clinical testing. Allele origin: germline. Inheritance: Autosomal dominant inheritance. Affected: no. Not counted in ClinVar's aggregate classification.

Clinical Genetics DNA and cytogenetics Diagnostics Lab, Erasmus MC, Erasmus Medical Center
Classification: Likely benign for Breast-ovarian cancer, familial, susceptibility to, 1. Last evaluated: 2015-09-21. Review status: criteria provided, single submitter. Criteria: ACGS Guidelines, 2013. Collection method: clinical testing. Allele origin: germline. Affected: yes. Study: VKGL Data-share Consensus. Not counted in ClinVar's aggregate classification.

Color Diagnostics, LLC DBA Color Health
Classification: Likely benign for Hereditary cancer-predisposing syndrome. Last evaluated: 2015-07-20. Review status: criteria provided, single submitter. Criteria: ACMG Guidelines, 2015. Collection method: clinical testing. Allele origin: germline. Not counted in ClinVar's aggregate classification.

GeneDx
Classification: Benign. Last evaluated: 2015-06-19. Review status: criteria provided, single submitter. Criteria: GeneDx Variant Classification (06012015). Collection method: clinical testing. Allele origin: germline. Affected: yes. Not counted in ClinVar's aggregate classification.
Comment: This variant is considered likely benign or benign based on one or more of the following criteria: it is a conservative change, it occurs at a poorly conserved position in the protein, it is predicted to be benign by multiple in silico algorithms, and/or has population frequency not consistent with disease.

Molecular Genetics Laboratory, University of Michigan
Classification: Likely benign for Breast-ovarian cancer, familial, susceptibility to, 1. Last evaluated: 2014-11-03. Review status: criteria provided, single submitter. Criteria: ACMG Guidelines, 2015. Collection method: clinical testing. Allele origin: germline. Affected: yes. Not counted in ClinVar's aggregate classification.

BRCAlab, Lund University
Classification: Benign for Breast-ovarian cancer, familial, susceptibility to, 1. Last evaluated: 2020-03-02. Review status: no assertion criteria provided. Collection method: clinical testing. Allele origin: germline. Affected: yes. Not counted in ClinVar's aggregate classification.

Counsyl
Classification: Likely benign for Breast-ovarian cancer, familial 1. Last evaluated: 2014-03-12. Review status: no assertion criteria provided. Collection method: literature only. Allele origin: unknown. Inheritance: Autosomal dominant inheritance. Not counted in ClinVar's aggregate classification.

Sharing Clinical Reports Project (SCRP)
Classification: Likely benign for Breast-ovarian cancer, familial 1. Last evaluated: 2011-01-18. Review status: no assertion criteria provided. Collection method: clinical testing. Allele origin: germline. Not counted in ClinVar's aggregate classification.

Breast Cancer Information Core (BIC) (BRCA1)
Classification: Uncertain significance for Breast-ovarian cancer, familial 1. Last evaluated: 2002-05-29. Review status: no assertion criteria provided. Collection method: clinical testing. Allele origin: germline. Affected: yes. Observed: 4 variant alleles. Not counted in ClinVar's aggregate classification.

Brotman Baty Institute, University of Washington
No classification provided (evidence only). Condition: Breast-ovarian cancer, familial 1. Review status: no classification provided. Collection method: in vitro. Allele origin: not applicable. Functional consequence: functionally_normal. Not counted in ClinVar's aggregate classification.
ClinVar note: "not provided" was previously submitted as the classification for the variant. However, the classification appeared to be based only on an observation of functional data so it was converted to no classification on 2025-07-30.

Clinical Genetics Laboratory, Department of Pathology, Netherlands Cancer Institute
Classification: Likely benign. Review status: no assertion criteria provided. Collection method: clinical testing. Allele origin: germline. Affected: yes. Study: VKGL Data-share Consensus. Not counted in ClinVar's aggregate classification.